The following is an entry in ClinVar:

NM_000179.3(MSH6):c.3646+1del

Gene: MSH6 (mutS homolog 6; plus strand). Cytogenetic location: 2p16.3.
Variant type: Deletion.
Coding change: c.3646+1del on transcript NM_000179.3 (MANE Select); the canonical splice donor site of the intron after coding-DNA position 3646, one base deleted (G; older notation c.3646+1delG).
Molecular consequence: splice donor variant.
Genome position (GRCh38, 1-based): chr2:47,805,708, G deleted; the last of 2 consecutive G bases (chr2:47,805,707-47,805,708); deleting either gives the same sequence. VCF-style (leftmost placement, unchanged base first): chr2-47805706-AG-A. GRCh37 (hg19) VCF-style: chr2-48032845-AG-A.
Other names: c.3646+1del (NM_001406809.1, NM_001406796.1, NM_001406808.1 and 1 more transcripts); c.2740+1del (NM_001406811.1, NM_001406814.1, NM_001281493.2 and 6 more transcripts); c.3349+1del (NM_001406805.1, NM_001406797.1, NM_001406801.1 and 10 more transcripts); c.3742+1del (NM_001406795.1, NM_001406802.1); c.3652+1del (NM_001406813.1); c.3121+1del (NM_001406807.1, NM_001406799.1, NM_001406806.1); c.3472+1del (NM_001406798.1); c.2782+1del (NM_001406803.1); and 7 more.
Identifiers: ClinVar variation 1733550 (VCV001733550.2), dbSNP rs1553332768, ClinGen allele CA2580067261.

ClinVar aggregate classification (germline): Likely pathogenic (1 of 4 stars; one submission).

Conditions:
Hereditary cancer-predisposing syndrome. Also called: Neoplastic Syndromes, Hereditary; Tumor predisposition; Hereditary Cancer Syndrome; Hereditary neoplastic syndrome. Identifiers: Orphanet 140162, MedGen C0027672, MeSH D009386, MONDO:0015356.

Submission:

Ambry Genetics
Classification: Likely pathogenic for Hereditary cancer-predisposing syndrome. Last evaluated: 2018-07-16. Review status: criteria provided, single submitter. Criteria: Ambry Variant Classification Scheme 2023. Collection method: clinical testing. Allele origin: germline.
Comment: The c.3646+1delG intronic variant is located one nucleotide after coding exon 7 in the MSH6 gene. This variant results from a deletion of one nucleotide at position c.3646+1. This nucleotide position is highly conserved in available vertebrate species. Using the BDGP and ESEfinder splice site prediction tools, this alteration is predicted to weaken the efficiency of the native splice donor site; however, direct evidence is unavailable. Alterations that disrupt the canonical splice site are expected to cause aberrant splicing, resulting in an abnormal protein or a transcript that is subject to nonsense-mediated mRNA decay. As such, this alteration is classified as likely pathogenic.